The following is an entry in ClinVar:

ClinVar aggregate classification (germline): Likely pathogenic (1 of 4 stars; one submission).

Conditions:
CEP290-related disorder. Also called: CEP290-related condition; CEP290-related disorders. Identifiers: MedGen CN239314.

Submission:

PreventionGenetics, part of Exact Sciences
Classification: Likely pathogenic for CEP290-related condition. Last evaluated: 2024-12-31. Review status: criteria provided, single submitter. Criteria: ACMG Guidelines, 2015. Collection method: clinical testing. Allele origin: germline.
Comment: The CEP290 c.3633delA variant is predicted to result in a frameshift and premature protein termination (p.Gln1211Hisfs*2). To our knowledge, this variant has not been reported in the literature or in a large population database (gnomAD), indicating this variant is rare. Frameshift variants in CEP290 are expected to be pathogenic. This variant is interpreted as likely pathogenic.

NM_025114.4(CEP290):c.3633del (p.Gln1211fs)

Gene: CEP290 (centrosomal protein 290; minus strand). Cytogenetic location: 12q21.32.
Variant type: Deletion.
Coding change: c.3633del on transcript NM_025114.4 (MANE Select); coding-DNA position 3633, one base deleted (A; older notation c.3633delA).
Protein change: p.Gln1211fs; shifts the reading frame from glutamine 1211.
Molecular consequence: frameshift variant.
Genome position (GRCh38, 1-based): chr12:88,089,428, T deleted on the plus strand (A on the coding strand, the reverse complement: CEP290 is on the minus strand); the first of 2 consecutive T bases (chr12:88,089,428-88,089,429); deleting either gives the same sequence. VCF-style (leftmost placement, unchanged base first): chr12-88089427-GT-G. GRCh37 (hg19) VCF-style: chr12-88483204-GT-G.
Other names: short protein forms Q1211fs.
Identifiers: ClinVar variation 4997059 (VCV004997059.1).